The following is an entry in ClinVar:

NM_004006.3(DMD):c.487T>A (p.Trp163Arg)

Gene: DMD (dystrophin; minus strand). Cytogenetic location: Xp21.1.
Variant type: single nucleotide variant.
Coding change: c.487T>A on transcript NM_004006.3 (MANE Select); coding-DNA position 487, T replaced by A.
Protein change: p.Trp163Arg; replaces tryptophan 163 with arginine.
Molecular consequence: missense variant.
Genome position (GRCh38, 1-based): chrX:32,816,511, A>T on the plus strand (T>A on the coding strand, the complement: DMD is on the minus strand). VCF-style: chrX-32816511-A-T. GRCh37 (hg19) VCF-style: chrX-32834628-A-T.
Other names: c.463T>A, p.Trp155Arg (NM_000109.4); c.475T>A, p.Trp159Arg (NM_004009.3); c.118T>A, p.Trp40Arg (NM_004010.3); short protein forms W155R, W159R, W163R, W40R.
Identifiers: ClinVar variation 999521 (VCV000999521.10), dbSNP rs2077774276, ClinGen allele CA412674115.
Genomic context (GRCh38, chrX:32,816,511, plus strand): 5'-CTCAGTAATCTTCTTACCTATGACTATGGATGAGAGCATTCAAAGCCAGGCCATCAGACC[A>T]GCTGGTGGTGAAGTTGATTACATTAACCTGTGGATAATTACGAGTTGATTGTCGGACCCA-3'
Protein context (NP_003997.2, residues 153-173): QVNVINFTTS[Trp163Arg]SDGLALNALI

ClinVar aggregate classification (germline): Uncertain significance (1 of 4 stars; one submission).

Conditions:
Duchenne muscular dystrophy (DMD). Also called: MUSCULAR DYSTROPHY, PSEUDOHYPERTROPHIC PROGRESSIVE, DUCHENNE TYPE; Duchenne Muscular Dystrophy (DMD). Identifiers: Orphanet 98896, MedGen C0013264, MONDO:0010679, OMIM 310200.

Submission:

Labcorp Genetics (formerly Invitae), Labcorp
Classification: Uncertain significance for Duchenne muscular dystrophy. Last evaluated: 2022-11-15. Review status: criteria provided, single submitter. Criteria: Invitae Variant Classification Sherloc (09022015). Collection method: clinical testing. Allele origin: germline.
Comment: In summary, the available evidence is currently insufficient to determine the role of this variant in disease. Therefore, it has been classified as a Variant of Uncertain Significance. This variant disrupts the p.Trp163 amino acid residue in DMD. Other variant(s) that disrupt this residue have been observed in individuals with DMD-related conditions (PMID: 17726484, 27593222), which suggests that this may be a clinically significant amino acid residue. Advanced modeling of protein sequence and biophysical properties (such as structural, functional, and spatial information, amino acid conservation, physicochemical variation, residue mobility, and thermodynamic stability) performed at Invitae indicates that this missense variant is expected to disrupt DMD protein function. ClinVar contains an entry for this variant (Variation ID: 999521). This variant has not been reported in the literature in individuals affected with DMD-related conditions. This variant is not present in population databases (gnomAD no frequency). This sequence change replaces tryptophan, which is neutral and slightly polar, with arginine, which is basic and polar, at codon 163 of the DMD protein (p.Trp163Arg).

Literature cited by the submitters: PubMed 17726484; PubMed 27593222.